The following is an entry in ClinVar:

ClinVar aggregate classification (germline): Uncertain significance (1 of 4 stars; one submission).

Conditions:
Immunodeficiency 35 (IMD35). Also called: Susceptibility to infection due to TYK2 deficiency; TYK2 DEFICIENCY; HIES WITH ATYPICAL MYCOBACTERIOSIS, AUTOSOMAL RECESSIVE; HYPER-IgE SYNDROME WITH ATYPICAL MYCOBACTERIOSIS, AUTOSOMAL RECESSIVE. Identifiers: Orphanet 331226, MedGen C1969086, MONDO:0012682, OMIM 611521.

Allele frequency attached by ClinVar (database versions not stated): gnomAD 0.00001; TOPMed 0.00001; ExAC 0.00002; gnomAD exomes 0.00002 and 0.00004.
gnomAD v4.1: 57 of 1,487,636 alleles (0.0038%); highest among the groups gnomAD compares: Non-Finnish European, 0.0045%; no homozygotes.

Submission:

Labcorp Genetics (formerly Invitae), Labcorp
Classification: Uncertain significance for Immunodeficiency 35. Last evaluated: 2022-04-25. Review status: criteria provided, single submitter. Criteria: Invitae Variant Classification Sherloc (09022015). Collection method: clinical testing. Allele origin: germline.
Comment: This sequence change replaces tyrosine, which is neutral and polar, with cysteine, which is neutral and slightly polar, at codon 989 of the TYK2 protein (p.Tyr989Cys). The frequency data for this variant in the population databases is considered unreliable, as metrics indicate poor data quality at this position in the gnomAD database. This variant has not been reported in the literature in individuals affected with TYK2-related conditions. ClinVar contains an entry for this variant (Variation ID: 1034678). Algorithms developed to predict the effect of missense changes on protein structure and function are either unavailable or do not agree on the potential impact of this missense change (SIFT: "Not Available"; PolyPhen-2: "Probably Damaging"; Align-GVGD: "Not Available"). In summary, the available evidence is currently insufficient to determine the role of this variant in disease. Therefore, it has been classified as a Variant of Uncertain Significance.

NM_003331.5(TYK2):c.2966A>G (p.Tyr989Cys)

Gene: TYK2 (tyrosine kinase 2; minus strand). Cytogenetic location: 19p13.2.
Variant type: single nucleotide variant.
Coding change: c.2966A>G on transcript NM_003331.5 (MANE Select); coding-DNA position 2966, A replaced by G.
Protein change: p.Tyr989Cys; replaces tyrosine 989 with cysteine.
Molecular consequence: missense variant.
Genome position (GRCh38, 1-based): chr19:10,353,589, T>C on the plus strand (A>G on the coding strand, the complement: TYK2 is on the minus strand). VCF-style: chr19-10353589-T-C. GRCh37 (hg19) VCF-style: chr19-10464265-T-C.
Other names: c.2966A>G, p.Tyr989Cys (NM_001385197.1, NM_001385198.1); c.2780A>G, p.Tyr927Cys (NM_001385199.1); c.2963A>G, p.Tyr988Cys (NM_001385200.1); c.2768A>G, p.Tyr923Cys (NM_001385201.1); c.2882A>G, p.Tyr961Cys (NM_001385202.1); c.3047A>G, p.Tyr1016Cys (NM_001385203.1); c.3176A>G, p.Tyr1059Cys (NM_001385204.1); c.2876A>G, p.Tyr959Cys (NM_001385205.1); and 2 more; short protein forms Y1059C, Y923C, Y927C, Y959C, Y989C, Y961C, Y983C, Y947C.
Identifiers: ClinVar variation 1034678 (VCV001034678.6), dbSNP rs765912261, ClinGen allele CA9192858.